The following is an entry in ClinVar:

ClinVar aggregate classification (germline): Uncertain significance (1 of 4 stars; one submission).

Submission:

Labcorp Genetics (formerly Invitae), Labcorp
Classification: Uncertain significance. Last evaluated: 2026-01-21. Review status: criteria provided, single submitter. Criteria: Invitae Variant Classification Sherloc (09022015). Collection method: clinical testing. Allele origin: germline.
Comment: This sequence change replaces arginine, which is basic and polar, with serine, which is neutral and polar, at codon 1165 of the MYH9 protein (p.Arg1165Ser). This variant is not present in population databases (gnomAD no frequency). This variant has not been reported in the literature in individuals affected with MYH9-related conditions. Invitae Evidence Modeling of protein sequence and biophysical properties (such as structural, functional, and spatial information, amino acid conservation, physicochemical variation, residue mobility, and thermodynamic stability) indicates that this missense variant is not expected to disrupt MYH9 protein function with a negative predictive value of 80%. This variant disrupts the p.Arg1165 amino acid residue in MYH9. Other variant(s) that disrupt this residue have been determined to be pathogenic (PMID: 10973259, 15339844, 16162639, 17655694, 26056797, 30916803). This suggests that this residue is clinically significant, and that variants that disrupt this residue are likely to be disease-causing. In summary, the available evidence is currently insufficient to determine the role of this variant in disease. Therefore, it has been classified as a Variant of Uncertain Significance.

Literature cited by the submitters: PubMed 10973259; PubMed 15339844; PubMed 16162639; PubMed 17655694; PubMed 26056797; PubMed 30916803.

NM_002473.6(MYH9):c.3493C>A (p.Arg1165Ser)

Gene: MYH9 (myosin heavy chain 9; minus strand). Cytogenetic location: 22q12.3.
Variant type: single nucleotide variant.
Coding change: c.3493C>A on transcript NM_002473.6 (MANE Select); coding-DNA position 3493, C replaced by A.
Protein change: p.Arg1165Ser; replaces arginine 1165 with serine.
Molecular consequence: missense variant.
Genome position (GRCh38, 1-based): chr22:36,295,069, G>T on the plus strand (C>A on the coding strand, the complement: MYH9 is on the minus strand). VCF-style: chr22-36295069-G-T. GRCh37 (hg19) VCF-style: chr22-36691115-G-T.
Other names: short protein forms R1165S.
Identifiers: ClinVar variation 4746165 (VCV004746165.1).
Genomic context (GRCh38, chr22:36,295,069, plus strand): 5'-CCTCGTGGGTCTTGGCCTCCTCCTCCAGGGTCTTCTTCAGGATGTTCACCTCCTGCTCAC[G>T]TTTTGACCTGGACAGAGAAATCCCCTCAGAGTGGAGGCCGGGGATGCTGGAGCGAGGCTG-3'
Protein context (NP_002464.1, residues 1155-1175): TAAQQELRSK[Arg1165Ser]EQEVNILKKT